The following is an entry in ClinVar:

NM_001242882.2(NAXD):c.654A>C (p.Gln218His)

Gene: NAXD (NAD(P)HX dehydratase; plus strand). Cytogenetic location: 13q34.
Variant type: single nucleotide variant.
Coding change: c.654A>C on transcript NM_001242882.2 (MANE Select); coding-DNA position 654, A replaced by C.
Protein change: p.Gln218His; replaces glutamine 218 with histidine.
Molecular consequence: missense variant. On other transcripts: non-coding transcript variant (2).
Genome position (GRCh38, 1-based): chr13:110,635,524, A>C. VCF-style: chr13-110635524-A-C. GRCh37 (hg19) VCF-style: chr13-111287871-A-C.
Other names: c.708A>C, p.Gln236His (NM_001242881.2, NM_018210.4); c.378A>C, p.Gln126His (NM_001242883.2); c.708A>C (NM_018210.3); short protein forms Q126H, Q218H, Q236H.
Identifiers: ClinVar variation 2701177 (VCV002701177.5), dbSNP rs551649299, ClinGen allele CA7051312.

ClinVar aggregate classification (germline): Likely benign. Review status: criteria provided, multiple submitters, no conflicts (2 of 4 stars). 3 submissions from 3 submitters: Likely benign (3). Last evaluated 2026-07-23.

Conditions:
NAXD-related disorder. Also called: NAXD-related condition.
Inborn genetic diseases. Identifiers: MedGen C0950123, MeSH D030342.

Allele frequency attached by ClinVar (database versions not stated): TOPMed 0.00001; gnomAD 0.00017; ExAC 0.00044; 1000 Genomes Project 30x 0.00047; 1000 Genomes Project 0.00060.
gnomAD v4.1: 345 of 1,614,190 alleles (0.021%); highest among the groups gnomAD compares: South Asian, 0.36%; 2 homozygotes.

Submissions (3):

PreventionGenetics, part of Exact Sciences
Classification: Likely benign for NAXD-related condition. Last evaluated: 2026-07-23. Review status: criteria provided, single submitter. Criteria: ACMG Guidelines, 2015. Collection method: clinical testing. Allele origin: germline.
Comment: This variant is classified as likely benign based on ACMG/AMP sequence variant interpretation guidelines (Richards et al. 2015 PMID: 25741868, with internal and published modifications).

Labcorp Genetics (formerly Invitae), Labcorp
Classification: Likely benign. Last evaluated: 2025-10-27. Review status: criteria provided, single submitter. Criteria: Invitae Variant Classification Sherloc (09022015). Collection method: clinical testing. Allele origin: germline.

Ambry Genetics
Classification: Likely benign for Inborn genetic diseases. Last evaluated: 2024-08-01. Review status: criteria provided, single submitter. Criteria: Ambry Variant Classification Scheme 2023. Collection method: clinical testing. Allele origin: germline.